The following is an entry in ClinVar:

NM_020745.4(AARS2):c.1040+1G>A

Gene: AARS2 (alanyl-tRNA synthetase 2, mitochondrial; minus strand). Cytogenetic location: 6p21.1.
Variant type: single nucleotide variant.
Coding change: c.1040+1G>A on transcript NM_020745.4 (MANE Select); the canonical splice donor site of the intron after coding-DNA position 1040, G replaced by A.
Molecular consequence: splice donor variant.
Genome position (GRCh38, 1-based): chr6:44,307,248, C>T on the plus strand (G>A on the coding strand, the complement: AARS2 is on the minus strand). VCF-style: chr6-44307248-C-T. GRCh37 (hg19) VCF-style: chr6-44274985-C-T.
Identifiers: ClinVar variation 632487 (VCV000632487.7), dbSNP rs1561941287, ClinGen allele CA364340115.

ClinVar aggregate classification (germline): Pathogenic (1 of 4 stars; one submission).

Conditions:
Leukoencephalopathy, progressive, with ovarian failure (LKENP). Identifiers: Orphanet 99853, MedGen C4014588, MONDO:0014387, OMIM 615889.
Combined oxidative phosphorylation defect type 8. Also called: CARDIOMYOPATHY, HYPERTROPHIC MITOCHONDRIAL, FATAL INFANTILE. Identifiers: Orphanet 319504, MedGen C4518839, MONDO:0013570, OMIM 614096.

Allele frequency attached by ClinVar (database versions not stated): TOPMed below 0.00001.
gnomAD v4.1: 10 of 1,613,956 alleles (0.00062%); highest among the groups gnomAD compares: African/African-American, 0.004%; no homozygotes.

Submission:

Juno Genomics, Hangzhou Juno Genomics, Inc
Classification: Pathogenic for Combined oxidative phosphorylation defect type 8; Leukoencephalopathy, progressive, with ovarian failure. Review status: criteria provided, single submitter. Criteria: ACMG Guidelines, 2015. Collection method: clinical testing. Allele origin: germline. Affected: yes.
Comment: Absent from controls (or at extremely low frequency if recessive) in Genome Aggregation Database, Exome Sequencing Project, 1000 Genomes Project, or Exome Aggregation Consortium.;Null variant in a gene where loss of function (LOF) is a known mechanism of disease.;Patient's phenotype or family history is highly specific for a disease with a single genetic etiology.